The following is an entry in ClinVar:

NM_005689.4(ABCB6):c.2054G>A (p.Arg685His)

Gene: ABCB6 (ATP binding cassette subfamily B member 6 (LAN blood group); minus strand). Cytogenetic location: 2q35.
Variant type: single nucleotide variant.
Coding change: c.2054G>A on transcript NM_005689.4 (MANE Select); coding-DNA position 2054, G replaced by A.
Protein change: p.Arg685His; replaces arginine 685 with histidine.
Molecular consequence: missense variant.
Genome position (GRCh38, 1-based): chr2:219,211,023, C>T on the plus strand (G>A on the coding strand, the complement: ABCB6 is on the minus strand). VCF-style: chr2-219211023-C-T. GRCh37 (hg19) VCF-style: chr2-220075745-C-T.
Other names: c.1916G>A, p.Arg639His (NM_001349828.2); c.2054G>A (NM_005689.2); short protein forms R639H, R685H.
Identifiers: ClinVar variation 3626748 (VCV003626748.3).

ClinVar aggregate classification (germline): Uncertain significance. Review status: criteria provided, multiple submitters, no conflicts (2 of 4 stars). 2 submissions from 2 submitters: Uncertain significance (2). Last evaluated 2025-12-22.

Conditions:
Inborn genetic diseases. Identifiers: MedGen C0950123, MeSH D030342.

gnomAD v4.1: 41 of 1,613,988 alleles (0.0025%); highest among the groups gnomAD compares: South Asian, 0.02%; no homozygotes.

Submissions (2):

Ambry Genetics
Classification: Uncertain significance for Inborn genetic diseases. Last evaluated: 2025-12-22. Review status: criteria provided, single submitter. Criteria: Ambry Variant Classification Scheme 2023. Collection method: clinical testing. Allele origin: germline.

Labcorp Genetics (formerly Invitae), Labcorp
Classification: Uncertain significance. Last evaluated: 2024-04-18. Review status: criteria provided, single submitter. Criteria: Invitae Variant Classification Sherloc (09022015). Collection method: clinical testing. Allele origin: germline.
Comment: This sequence change replaces arginine, which is basic and polar, with histidine, which is basic and polar, at codon 685 of the ABCB6 protein (p.Arg685His). This variant is present in population databases (rs769593420, gnomAD 0.03%). This variant has not been reported in the literature in individuals affected with ABCB6-related conditions. An algorithm developed to predict the effect of missense changes on protein structure and function (PolyPhen-2) suggests that this variant is likely to be disruptive. In summary, the available evidence is currently insufficient to determine the role of this variant in disease. Therefore, it has been classified as a Variant of Uncertain Significance.